The following is an entry in ClinVar:

NM_000489.6(ATRX):c.569C>T (p.Pro190Leu)

Gene: ATRX (ATRX chromatin remodeler; minus strand). Cytogenetic location: Xq21.1.
Variant type: single nucleotide variant.
Coding change: c.569C>T on transcript NM_000489.6 (MANE Select); coding-DNA position 569, C replaced by T.
Protein change: p.Pro190Leu; replaces proline 190 with leucine.
Molecular consequence: missense variant.
Genome position (GRCh38, 1-based): chrX:77,688,843, G>A on the plus strand (C>T on the coding strand, the complement: ATRX is on the minus strand). VCF-style: chrX-77688843-G-A. GRCh37 (hg19) VCF-style: chrX-76944336-G-A.
Other names: c.455C>T, p.Pro152Leu (NM_138270.5); short protein forms P190L, P152L.
Identifiers: ClinVar variation 374337 (VCV000374337.2), dbSNP rs1057518708, ClinGen allele CA16043718.

ClinVar aggregate classification (germline): Likely pathogenic. Review status: criteria provided, single submitter (1 of 4 stars). 2 submissions from 2 submitters: Likely pathogenic (1). 1 of the submissions does not count toward it. Last evaluated 2024-07-05.

Conditions:
Alpha thalassemia-X-linked intellectual disability syndrome (ATRX). Also called: ATR, NONDELETION TYPE; X-linked alpha-thalassemia-mental retardation syndrome; ALPHA-THALASSEMIA/IMPAIRED INTELLECTUAL DEVELOPMENT SYNDROME, X-LINKED; ALPHA-THALASSEMIA/MENTAL RETARDATION SYNDROME, X-LINKED; ATR-X syndrome; Alpha thalassemia mental retardation syndrome, nondeletion type, X-linked. Identifiers: Orphanet 847, MedGen C1845055, MONDO:0010519, OMIM 301040.

Submissions (2):

GeneDx
Classification: Likely pathogenic. Last evaluated: 2024-07-05. Review status: criteria provided, single submitter. Criteria: GeneDx Variant Classification Process June 2021. Collection method: clinical testing. Allele origin: germline. Affected: yes.
Comment: Not observed at significant frequency in large population cohorts (gnomAD); In silico analysis supports that this missense variant has a deleterious effect on protein structure/function; This variant is associated with the following publications: (PMID: 27959697, 10995512, 16763962, 16100724, 18409179, 17609377)

Baylor Genetics
Classification: Likely pathogenic for Alpha thalassemia-X-linked intellectual disability syndrome. Last evaluated: 2016-05-01. Review status: no assertion criteria provided. Collection method: clinical testing. Allele origin: germline. Inheritance: X-linked inheritance. Affected: yes. Not counted in ClinVar's aggregate classification.